The following is an entry in ClinVar:

ClinVar aggregate classification (germline): Uncertain significance. Review status: criteria provided, multiple submitters, no conflicts (2 of 4 stars). 3 submissions from 3 submitters: Uncertain significance (3). Last evaluated 2025-03-14.

Conditions:
Inborn genetic diseases. Identifiers: MedGen C0950123, MeSH D030342.
Fraser syndrome 1 (FRASRS1). Also called: CRYPTOPHTHALMOS WITH OTHER MALFORMATIONS. Identifiers: Orphanet 2052, MedGen C4551480, MONDO:0054737, OMIM 219000.

Allele frequency attached by ClinVar (database versions not stated): ExAC 0.00003; TOPMed 0.00003; gnomAD 0.00005; ESP Exome Variant Server 0.00008.
gnomAD v4.1: 32 of 1,609,090 alleles (0.002%); highest among the groups gnomAD compares: South Asian, 0.019%; 1 homozygote.

Submissions (3):

Ambry Genetics
Classification: Uncertain significance for Inborn genetic diseases. Last evaluated: 2025-03-14. Review status: criteria provided, single submitter. Criteria: Ambry Variant Classification Scheme 2023. Collection method: clinical testing. Allele origin: germline.

Labcorp Genetics (formerly Invitae), Labcorp
Classification: Uncertain significance. Last evaluated: 2024-06-03. Review status: criteria provided, single submitter. Criteria: Invitae Variant Classification Sherloc (09022015). Collection method: clinical testing. Allele origin: germline.
Comment: This sequence change replaces aspartic acid, which is acidic and polar, with asparagine, which is neutral and polar, at codon 1301 of the FRAS1 protein (p.Asp1301Asn). This variant is present in population databases (rs369945274, gnomAD 0.03%). This variant has not been reported in the literature in individuals affected with FRAS1-related conditions. ClinVar contains an entry for this variant (Variation ID: 2101384). Advanced modeling of protein sequence and biophysical properties (such as structural, functional, and spatial information, amino acid conservation, physicochemical variation, residue mobility, and thermodynamic stability) performed at Invitae indicates that this missense variant is expected to disrupt FRAS1 protein function with a positive predictive value of 80%. In summary, the available evidence is currently insufficient to determine the role of this variant in disease. Therefore, it has been classified as a Variant of Uncertain Significance.

Fulgent Genetics
Classification: Uncertain significance for Fraser syndrome 1. Last evaluated: 2024-05-13. Review status: criteria provided, single submitter. Criteria: ACMG Guidelines, 2015. Collection method: clinical testing. Allele origin: germline.

NM_025074.7(FRAS1):c.3901G>A (p.Asp1301Asn)

Gene: FRAS1 (Fraser extracellular matrix complex subunit 1; plus strand). Cytogenetic location: 4q21.21.
Variant type: single nucleotide variant.
Coding change: c.3901G>A on transcript NM_025074.7 (MANE Select); coding-DNA position 3901, G replaced by A.
Protein change: p.Asp1301Asn; replaces aspartic acid 1301 with asparagine.
Molecular consequence: missense variant.
Genome position (GRCh38, 1-based): chr4:78,387,627, G>A. VCF-style: chr4-78387627-G-A. GRCh37 (hg19) VCF-style: chr4-79308781-G-A.
Other names: c.3901G>A, p.Asp1301Asn (NM_001166133.2); c.3901G>A (NM_025074.6); short protein forms D1301N.
Identifiers: ClinVar variation 2101384 (VCV002101384.4), dbSNP rs369945274, ClinGen allele CA2977043.